The following is an entry in ClinVar:

NM_001243177.4(ALDOA):c.959C>T (p.Thr320Ile)

Genes: ALDOA (aldolase, fructose-bisphosphate A; plus strand), LOC112694756 (uncharaterized LOC112694756; plus strand). Cytogenetic location: 16p11.2.
Variant type: single nucleotide variant.
Coding change: c.959C>T on transcript NM_001243177.4 (MANE Select); coding-DNA position 959, C replaced by T.
Protein change: p.Thr320Ile; replaces threonine 320 with isoleucine.
Molecular consequence: missense variant. On other transcripts: 3 prime UTR variant (3).
Genome position (GRCh38, 1-based): chr16:30,069,671, C>T. VCF-style: chr16-30069671-C-T. GRCh37 (hg19) VCF-style: chr16-30080992-C-T.
Other names: p.Thr266Ile; c.*1306C>T (NM_001365304.2, NM_001365305.2, NM_001365307.2); c.797C>T, p.Thr266Ile (NM_001127617.2, NM_184041.5, NM_184043.2); short protein forms T320I, T266I.
Identifiers: ClinVar variation 4542024 (VCV004542024.1).

ClinVar aggregate classification (germline): Uncertain significance (1 of 4 stars; one submission).

Submission:

Mayo Clinic Laboratories, Mayo Clinic
Classification: Uncertain significance. Last evaluated: 2025-06-03. Review status: criteria provided, single submitter. Criteria: ACMG Guidelines, 2015. Collection method: clinical testing. Allele origin: germline. Observed: 1 variant allele.
Comment: PM2_supporting